The following is an entry in ClinVar:

ClinVar aggregate classification (germline): Benign. Review status: criteria provided, multiple submitters, no conflicts (2 of 4 stars). 2 submissions from 2 submitters: Benign (2). Last evaluated 2021-02-24.

Allele frequency attached by ClinVar (database versions not stated): ESP Exome Variant Server 0.00131; gnomAD 0.00297 and 0.00483; TOPMed 0.00425; 1000 Genomes Project 30x 0.01999; 1000 Genomes Project 0.02117.
gnomAD v4.1: 8,007 of 1,613,740 alleles (0.5%); highest among the groups gnomAD compares: East Asian, 7.7%; 234 homozygotes.

Submissions (2):

GeneDx
Classification: Benign. Last evaluated: 2021-02-24. Review status: criteria provided, single submitter. Criteria: GeneDx Variant Classification Process June 2021. Collection method: clinical testing. Allele origin: germline. Affected: yes.
Comment: This variant is associated with the following publications: (PMID: 32581250)

Breakthrough Genomics
Classification: Benign. Review status: criteria provided, single submitter. Criteria: ACMG Guidelines, 2015. Collection method: not provided. Allele origin: germline. Inheritance: Unknown mechanism. Affected: yes.

NM_001502.4(GP2):c.1285G>A (p.Val429Met)

Gene: GP2 (glycoprotein 2; minus strand). Cytogenetic location: 16p12.3.
Variant type: single nucleotide variant.
Coding change: c.1285G>A on transcript NM_001502.4 (MANE Select); coding-DNA position 1285, G replaced by A.
Protein change: p.Val429Met; replaces valine 429 with methionine.
Molecular consequence: missense variant.
Genome position (GRCh38, 1-based): chr16:20,317,344, C>T on the plus strand (G>A on the coding strand, the complement: GP2 is on the minus strand). VCF-style: chr16-20317344-C-T. GRCh37 (hg19) VCF-style: chr16-20328666-C-T.
Other names: c.1294G>A, p.Val432Met (NM_001007240.3); c.853G>A, p.Val285Met (NM_001007241.3); c.844G>A, p.Val282Met (NM_001007242.3); short protein forms V282M, V285M, V429M, V432M.
Identifiers: ClinVar variation 1276754 (VCV001276754.2), dbSNP rs78193826, ClinGen allele CA7938578.
Genomic context (GRCh38, chr16:20,317,344, plus strand): 5'-CAGCAAACATGAACATCTGAACTGAGAACCGGCTTTCCGAGGACTGCCCATTCTCCTCCA[C>T]GTGGATGGTGGAATCACGTTGATTTGAGCAGCTGGGAGGGTGACAGGGGCAAAGGTGTAA-3'
Protein context (NP_001493.2, residues 419-439): CSNQRDSTIH[Val429Met]EENGQSSESR